The following is an entry in ClinVar:

ClinVar aggregate classification (germline): Likely benign (1 of 4 stars; one submission).

Allele frequency attached by ClinVar (database versions not stated): gnomAD exomes 0.00001; TOPMed 0.00007; gnomAD 0.00012; 1000 Genomes Project 30x 0.00016; 1000 Genomes Project 0.00020.
gnomAD v4.1: 30 of 1,613,916 alleles (0.0019%); highest among the groups gnomAD compares: African/African-American, 0.023%; no homozygotes.

Submission:

GeneDx
Classification: Likely benign. Last evaluated: 2018-02-28. Review status: criteria provided, single submitter. Criteria: GeneDx Variant Classification (06012015). Collection method: clinical testing. Allele origin: germline. Affected: yes.
Comment: This variant is considered likely benign or benign based on one or more of the following criteria: it is a conservative change, it occurs at a poorly conserved position in the protein, it is predicted to be benign by multiple in silico algorithms, and/or has population frequency not consistent with disease.

NM_005379.4(MYO1A):c.1775A>G (p.Asn592Ser)

Gene: MYO1A (myosin IA; minus strand). Cytogenetic location: 12q13.3.
Variant type: single nucleotide variant.
Coding change: c.1775A>G on transcript NM_005379.4 (MANE Select); coding-DNA position 1775, A replaced by G.
Protein change: p.Asn592Ser; replaces asparagine 592 with serine.
Molecular consequence: missense variant.
Genome position (GRCh38, 1-based): chr12:57,038,055, T>C on the plus strand (A>G on the coding strand, the complement: MYO1A is on the minus strand). VCF-style: chr12-57038055-T-C. GRCh37 (hg19) VCF-style: chr12-57431839-T-C.
Other names: c.1775A>G, p.Asn592Ser (NM_001256041.2); short protein forms N592S.
Identifiers: ClinVar variation 515258 (VCV000515258.1), dbSNP rs571962957, ClinGen allele CA6639975.